The following is an entry in ClinVar:

NM_002667.5(PLN):c.151C>A (p.Leu51Ile)

Genes: PLN (phospholamban; plus strand), CEP85L (centrosomal protein 85L; minus strand). Cytogenetic location: 6q22.31.
Variant type: single nucleotide variant.
Coding change: c.151C>A on transcript NM_002667.5 (MANE Select); coding-DNA position 151, C replaced by A.
Protein change: p.Leu51Ile; replaces leucine 51 with isoleucine.
Molecular consequence: missense variant. On other transcripts: intron variant (3).
Genome position (GRCh38, 1-based): chr6:118,559,072, C>A. VCF-style: chr6-118559072-C-A. GRCh37 (hg19) VCF-style: chr6-118880235-C-A.
Other names: c.1029+6457G>T (NM_001178035.2); c.1020+6457G>T (NM_001042475.3, NM_206921.3); short protein forms L51I.
Identifiers: ClinVar variation 839623 (VCV000839623.9), dbSNP rs766452369, ClinGen allele CA365546789.

ClinVar aggregate classification (germline): Uncertain significance (1 of 4 stars; one submission).

Conditions:
Dilated cardiomyopathy 1P (CMD1P). Identifiers: Orphanet 154, MedGen C1835928, MONDO:0012362, OMIM 609909.

Submission:

Labcorp Genetics (formerly Invitae), Labcorp
Classification: Uncertain significance for Dilated cardiomyopathy 1P. Last evaluated: 2022-03-18. Review status: criteria provided, single submitter. Criteria: Invitae Variant Classification Sherloc (09022015). Collection method: clinical testing. Allele origin: germline.
Comment: Algorithms developed to predict the effect of missense changes on protein structure and function are either unavailable or do not agree on the potential impact of this missense change (SIFT: "Deleterious"; PolyPhen-2: "Possibly Damaging"; Align-GVGD: "Class C0"). This sequence change replaces leucine, which is neutral and non-polar, with isoleucine, which is neutral and non-polar, at codon 51 of the PLN protein (p.Leu51Ile). This variant is not present in population databases (gnomAD no frequency). This variant has not been reported in the literature in individuals affected with PLN-related conditions. ClinVar contains an entry for this variant (Variation ID: 839623). In summary, the available evidence is currently insufficient to determine the role of this variant in disease. Therefore, it has been classified as a Variant of Uncertain Significance.